The following is an entry in ClinVar:

NM_003126.4(SPTA1):c.1703G>C (p.Arg568Pro)

Gene: SPTA1 (spectrin alpha, erythrocytic 1; minus strand). Cytogenetic location: 1q23.1.
Variant type: single nucleotide variant.
Coding change: c.1703G>C on transcript NM_003126.4 (MANE Select); coding-DNA position 1703, G replaced by C.
Protein change: p.Arg568Pro; replaces arginine 568 with proline.
Molecular consequence: missense variant.
Genome position (GRCh38, 1-based): chr1:158,669,538, C>G on the plus strand (G>C on the coding strand, the complement: SPTA1 is on the minus strand). VCF-style: chr1-158669538-C-G. GRCh37 (hg19) VCF-style: chr1-158639328-C-G.
Other names: short protein forms R568P.
Identifiers: ClinVar variation 1163663 (VCV001163663.34), dbSNP rs200829664, ClinGen allele CA1183642.

ClinVar aggregate classification (germline): Conflicting classifications of pathogenicity. Review status: criteria provided, conflicting classifications (1 of 4 stars). 6 submissions from 6 submitters: Uncertain significance (3); Likely benign (3). Last evaluated 2025-04-01.

gnomAD v4.1: 210 of 1,614,096 alleles (0.013%); highest among the groups gnomAD compares: Middle Eastern, 0.58%; no homozygotes.

Submissions (6):

CeGaT Center for Human Genetics Tuebingen
Classification: Likely benign. Last evaluated: 2025-04-01. Review status: criteria provided, single submitter. Criteria: CeGaT Center For Human Genetics Tuebingen Variant Classification Criteria Version 2. Collection method: clinical testing. Allele origin: germline. Affected: yes. Observed: 4 variant alleles.
Comment: SPTA1: BP4, BS2

Blueprint Genetics
Classification: Likely benign. Last evaluated: 2024-10-24. Review status: criteria provided, single submitter. Criteria: ACMG Guidelines, 2015. Collection method: clinical testing. Allele origin: germline.

Labcorp Genetics (formerly Invitae), Labcorp
Classification: Likely benign. Last evaluated: 2023-05-23. Review status: criteria provided, single submitter. Criteria: Invitae Variant Classification Sherloc (09022015). Collection method: clinical testing. Allele origin: germline.

Revvity Omics, Revvity
Classification: Uncertain significance. Last evaluated: 2023-03-14. Review status: criteria provided, single submitter. Criteria: ACMG Guidelines, 2015. Collection method: clinical testing. Allele origin: germline.

Mayo Clinic Laboratories, Mayo Clinic
Classification: Uncertain significance. Last evaluated: 2021-03-16. Review status: criteria provided, single submitter. Criteria: ACMG Guidelines, 2015. Collection method: clinical testing. Allele origin: germline. Observed: 1 variant allele.

Breakthrough Genomics
Classification: Uncertain significance. Review status: criteria provided, single submitter. Criteria: ACMG Guidelines, 2015. Collection method: not provided. Allele origin: germline. Inheritance: Autosomal recessive inheritance. Affected: yes.